The following is an entry in ClinVar:

NM_002024.6(FMR1):c.1579C>A (p.Arg527Ser)

Gene: FMR1 (fragile X messenger ribonucleoprotein 1; plus strand). Cytogenetic location: Xq27.3.
Variant type: single nucleotide variant.
Coding change: c.1579C>A on transcript NM_002024.6 (MANE Select); coding-DNA position 1579, C replaced by A.
Protein change: p.Arg527Ser; replaces arginine 527 with serine.
Molecular consequence: missense variant. On other transcripts: non-coding transcript variant (2), nonsense (2).
Genome position (GRCh38, 1-based): chrX:147,944,976, C>A. VCF-style: chrX-147944976-C-A. GRCh37 (hg19) VCF-style: chrX-147026496-C-A.
Other names: c.1308C>A, p.Cys436Ter (NM_001185075.2); c.1516C>A, p.Arg506Ser (NM_001185076.2); c.1245C>A, p.Cys415Ter (NM_001185081.2); c.1441C>A, p.Arg481Ser (NM_001185082.2); short protein forms C415*, C436*, R481S, R506S, R527S.
Identifiers: ClinVar variation 3257367 (VCV003257367.17).

ClinVar aggregate classification (germline): Uncertain significance (1 of 4 stars; one submission).

gnomAD v4.1: 1 of 1,205,695 alleles (0.000083%); highest among the groups gnomAD compares: Non-Finnish European, 0.00011%; no homozygotes.

Submission:

CeGaT Center for Human Genetics Tuebingen
Classification: Uncertain significance. Last evaluated: 2024-07-01. Review status: criteria provided, single submitter. Criteria: CeGaT Center For Human Genetics Tuebingen Variant Classification Criteria Version 2. Collection method: clinical testing. Allele origin: germline. Affected: yes. Observed: 1 variant allele.
Comment: FMR1: PM2